The following is an entry in ClinVar:

ClinVar aggregate classification (germline): Uncertain significance (1 of 4 stars; one submission).

Conditions:
Spermatogenic failure 18. Identifiers: MedGen C4539783, MONDO:0054615, OMIM 617576.
Ciliary dyskinesia, primary, 37 (CILD37). Also called: CILIARY DYSKINESIA, PRIMARY, 37, WITH OR WITHOUT SITUS INVERSUS. Identifiers: MedGen C4539798, MONDO:0033204, OMIM 617577.

Allele frequency attached by ClinVar (database versions not stated): gnomAD 0.00001; gnomAD exomes 0.00001; TOPMed 0.00001; ExAC 0.00002.
gnomAD v4.1: 11 of 1,613,820 alleles (0.00068%); highest among the groups gnomAD compares: East Asian, 0.018%; no homozygotes.

Submission:

Labcorp Genetics (formerly Invitae), Labcorp
Classification: Uncertain significance for Ciliary dyskinesia, primary, 37; Spermatogenic failure 18. Last evaluated: 2022-07-08. Review status: criteria provided, single submitter. Criteria: Invitae Variant Classification Sherloc (09022015). Collection method: clinical testing. Allele origin: germline.
Comment: This sequence change affects codon 1503 of the DNAH1 mRNA. It is a 'silent' change, meaning that it does not change the encoded amino acid sequence of the DNAH1 protein. This variant is present in population databases (rs760233212, gnomAD 0.02%). This variant has not been reported in the literature in individuals affected with DNAH1-related conditions. Algorithms developed to predict the effect of sequence changes on RNA splicing suggest that this variant may create or strengthen a splice site. In summary, the available evidence is currently insufficient to determine the role of this variant in disease. Therefore, it has been classified as a Variant of Uncertain Significance.

NM_015512.5(DNAH1):c.4509G>A (p.Val1503=)

Gene: DNAH1 (dynein axonemal heavy chain 1; plus strand). Cytogenetic location: 3p21.1.
Variant type: single nucleotide variant.
Coding change: c.4509G>A on transcript NM_015512.5 (MANE Select); coding-DNA position 4509, G replaced by A.
Protein change: p.Val1503=; no amino-acid change (valine 1503 retained).
Molecular consequence: synonymous variant.
Genome position (GRCh38, 1-based): chr3:52,360,017, G>A. VCF-style: chr3-52360017-G-A. GRCh37 (hg19) VCF-style: chr3-52394033-G-A.
Identifiers: ClinVar variation 2197325 (VCV002197325.4), dbSNP rs760233212, ClinGen allele CA2433924.
Genomic context (GRCh38, chr3:52,360,017, plus strand): 5'-CATGCAGCGGGCAGTGCTGTCAGCGCTAATCGTCATTGAGGTCCATGCCAAGGACGTGGT[G>A]AGCAAGCTAATCCAGGAGAACGTGGTCAGCGTGAATGACTTCCAGTGGATCTCACAGCTG-3'
Protein context (NP_056327.4, residues 1493-1513): IVIEVHAKDV[Val1503=]SKLIQENVVS